The following is an entry in ClinVar:

ClinVar aggregate classification (germline): Uncertain significance. Review status: criteria provided, single submitter (1 of 4 stars). 2 submissions from 2 submitters: Uncertain significance (1). 1 of the submissions does not count toward it. Last evaluated 2024-06-16.

Conditions:
TRIM28-related disorder. Also called: TRIM28-related condition.

Allele frequency attached by ClinVar (database versions not stated): ExAC 0.00005; gnomAD 0.00005; TOPMed 0.00005; gnomAD exomes 0.00006.
gnomAD v4.1: 94 of 1,613,728 alleles (0.0058%); highest among the groups gnomAD compares: Non-Finnish European, 0.0079%; no homozygotes.

Submissions (2):

Labcorp Genetics (formerly Invitae), Labcorp
Classification: Uncertain significance. Last evaluated: 2024-06-16. Review status: criteria provided, single submitter. Criteria: Invitae Variant Classification Sherloc (09022015). Collection method: clinical testing. Allele origin: germline.
Comment: This sequence change affects codon 795 of the TRIM28 mRNA. It is a 'silent' change, meaning that it does not change the encoded amino acid sequence of the TRIM28 protein. This variant is present in population databases (rs776135251, gnomAD 0.006%). This variant has not been reported in the literature in individuals affected with TRIM28-related conditions. Experimental studies and prediction algorithms are not available or were not evaluated, and the effect of this variant on mRNA splicing is currently unknown. In summary, the available evidence is currently insufficient to determine the role of this variant in disease. Therefore, it has been classified as a Variant of Uncertain Significance.

PreventionGenetics, part of Exact Sciences
Classification: Likely benign for TRIM28-related condition. Last evaluated: 2023-07-20. Review status: no assertion criteria provided. Collection method: clinical testing. Allele origin: germline. Not counted in ClinVar's aggregate classification.
Comment: This variant is classified as likely benign based on ACMG/AMP sequence variant interpretation guidelines (Richards et al. 2015 PMID: 25741868, with internal and published modifications).

NM_005762.3(TRIM28):c.2385C>T (p.Arg795=)

Gene: TRIM28 (tripartite motif containing 28; plus strand). Cytogenetic location: 19q13.43.
Variant type: single nucleotide variant.
Coding change: c.2385C>T on transcript NM_005762.3 (MANE Select); coding-DNA position 2385, C replaced by T.
Protein change: p.Arg795=; no amino-acid change (arginine 795 retained).
Molecular consequence: synonymous variant.
Genome position (GRCh38, 1-based): chr19:58,550,430, C>T. VCF-style: chr19-58550430-C-T. GRCh37 (hg19) VCF-style: chr19-59061797-C-T.
Identifiers: ClinVar variation 3036483 (VCV003036483.4), dbSNP rs776135251, ClinGen allele CA9719595.